The following is an entry in ClinVar:

ClinVar aggregate classification (germline): Uncertain significance (1 of 4 stars; one submission).

Allele frequency attached by ClinVar (database versions not stated): gnomAD 0.00001; TOPMed 0.00002; ExAC 0.00003; gnomAD exomes 0.00004.
gnomAD v4.1: 43 of 1,613,328 alleles (0.0027%); highest among the groups gnomAD compares: South Asian, 0.0044%; no homozygotes.

Submission:

GeneDx
Classification: Uncertain significance. Last evaluated: 2025-04-30. Review status: criteria provided, single submitter. Criteria: GeneDx Variant Classification Process June 2021. Collection method: clinical testing. Allele origin: germline. Affected: yes.
Comment: Not observed at significant frequency in large population cohorts (gnomAD); In silico analysis supports that this missense variant has a deleterious effect on protein structure/function; Has not been previously published as pathogenic or benign in association with hearing loss to our knowledge; This variant is associated with the following publications: (PMID: 35982159, 33057194)

NM_022124.6(CDH23):c.346C>T (p.Arg116Trp)

Genes: CDH23 (cadherin related 23; plus strand), CDH23-AS1 (CDH23 antisense RNA 1; minus strand). Cytogenetic location: 10q22.1.
Variant type: single nucleotide variant.
Coding change: c.346C>T on transcript NM_022124.6 (MANE Select); coding-DNA position 346, C replaced by T.
Protein change: p.Arg116Trp; replaces arginine 116 with tryptophan.
Molecular consequence: missense variant.
Genome position (GRCh38, 1-based): chr10:71,511,129, C>T. VCF-style: chr10-71511129-C-T. GRCh37 (hg19) VCF-style: chr10-73270886-C-T.
Other names: c.346C>T, p.Arg116Trp (NM_001171930.2, NM_001171931.2, NM_001171932.2 and 1 more transcripts); short protein forms R116W.
Identifiers: ClinVar variation 1310086 (VCV001310086.4), dbSNP rs765846175, ClinGen allele CA5543398.
Genomic context (GRCh38, chr10:71,511,129, plus strand): 5'-AAGAGGCCAGAGTCAGGTGGCGGCGCTAATTGCCCGCCTTTCTCTTGCCAGGTGATCACA[C>T]GGAAGGTGAACATCCAGGTTGGGGATGTGAATGACAACGCGCCCACATTTCACAATCAGC-3'
Protein context (NP_071407.4, residues 106-126): SVSDHQGVIT[Arg116Trp]KVNIQVGDVN